The following is an entry in ClinVar:

NM_000038.6(APC):c.1109del (p.Leu370fs)

Gene: APC (APC regulator of Wnt signaling pathway; plus strand). Cytogenetic location: 5q22.2.
Variant type: Deletion.
Coding change: c.1109del on transcript NM_000038.6 (MANE Select); coding-DNA position 1109, one base deleted (T; older notation c.1109delT).
Protein change: p.Leu370fs; shifts the reading frame from leucine 370.
Molecular consequence: frameshift variant. On other transcripts: intron variant (4).
Genome position (GRCh38, 1-based): chr5:112,819,141, T deleted; the last of 2 consecutive T bases (chr5:112,819,140-112,819,141); deleting either gives the same sequence. VCF-style (leftmost placement, unchanged base first): chr5-112819139-GT-G. GRCh37 (hg19) VCF-style: chr5-112154836-GT-G.
Other names: c.1109del, p.Leu370fs (NM_001127510.3, NM_001354895.2, NM_001354896.2); c.1055del, p.Leu352fs (NM_001127511.3); c.1139del, p.Leu380fs (NM_001354897.2); c.1034del, p.Leu345fs (NM_001354898.2); c.1025del, p.Leu342fs (NM_001354899.2); c.932del, p.Leu311fs (NM_001354900.2, NM_001354901.2); c.260del, p.Leu87fs (NM_001354906.2); c.964-128del (NM_001354902.2); and 3 more; short protein forms L311fs, L352fs, L370fs, L380fs, L87fs, L342fs, L345fs.
Identifiers: ClinVar variation 1415910 (VCV001415910.9), dbSNP rs2149781278, ClinGen allele CA2573138821.

ClinVar aggregate classification (germline): Pathogenic. Review status: criteria provided, multiple submitters, no conflicts (2 of 4 stars). 3 submissions from 3 submitters: Pathogenic (3). Last evaluated 2023-04-28.

Conditions:
Hereditary cancer-predisposing syndrome. Also called: Hereditary Cancer Syndrome; Tumor predisposition; Hereditary neoplastic syndrome; Neoplastic Syndromes, Hereditary. Identifiers: Orphanet 140162, MedGen C0027672, MeSH D009386, MONDO:0015356.
Familial adenomatous polyposis 1 (FAP1). Also called: POLYPOSIS, ADENOMATOUS INTESTINAL; FAMILIAL ADENOMATOUS POLYPOSIS 1, ATTENUATED. Identifiers: MedGen C2713442, MONDO:0021056, OMIM 175100. Disease mechanism: loss of function.

Submissions (3):

Myriad Genetics, Inc.
Classification: Pathogenic for Familial adenomatous polyposis 1. Last evaluated: 2023-04-28. Review status: criteria provided, single submitter. Criteria: Myriad Autosomal Dominant, Autosomal Recessive and X-Linked Classification Criteria (2023). Collection method: clinical testing. Allele origin: unknown.
Comment: This variant is considered pathogenic. This variant creates a frameshift predicted to result in premature protein truncation.

Labcorp Genetics (formerly Invitae), Labcorp
Classification: Pathogenic for Familial adenomatous polyposis 1. Last evaluated: 2021-10-20. Review status: criteria provided, single submitter. Criteria: Invitae Variant Classification Sherloc (09022015). Collection method: clinical testing. Allele origin: germline.
Comment: For these reasons, this variant has been classified as Pathogenic. This variant has not been reported in the literature in individuals affected with APC-related conditions. This variant is not present in population databases (ExAC no frequency). This sequence change creates a premature translational stop signal (p.Leu370Trpfs*84) in the APC gene. It is expected to result in an absent or disrupted protein product. Loss-of-function variants in APC are known to be pathogenic (PMID: 17963004, 20685668).

Ambry Genetics
Classification: Pathogenic for Hereditary cancer-predisposing syndrome. Last evaluated: 2015-07-14. Review status: criteria provided, single submitter. Criteria: Ambry Variant Classification Scheme 2023. Collection method: clinical testing. Allele origin: germline.
Comment: The c.1109delT pathogenic mutation, located in coding exon 9 of the APC gene, results from a deletion of one nucleotide at position 1109, causing a translational frameshift with a predicted alternate stop codon. Since frameshifts are typically deleterious in nature, this alteration is interpreted as a disease-causing mutation (ACMG Recommendations for Standards for Interpretation and Reporting of Sequence Variations. Revision 2007. Genet Med. 2008;10:294).

Literature cited by the submitters: PubMed 17963004 (cited by Labcorp Genetics (formerly Invitae), Labcorp); PubMed 20685668 (cited by Labcorp Genetics (formerly Invitae), Labcorp).